The following is an entry in ClinVar:

NM_003482.4(KMT2D):c.14924G>A (p.Arg4975His)

Gene: KMT2D (lysine methyltransferase 2D; minus strand). Cytogenetic location: 12q13.12.
Variant type: single nucleotide variant.
Coding change: c.14924G>A on transcript NM_003482.4 (MANE Select); coding-DNA position 14924, G replaced by A.
Protein change: p.Arg4975His; replaces arginine 4975 with histidine.
Molecular consequence: missense variant.
Genome position (GRCh38, 1-based): chr12:49,027,042, C>T on the plus strand (G>A on the coding strand, the complement: KMT2D is on the minus strand). VCF-style: chr12-49027042-C-T. GRCh37 (hg19) VCF-style: chr12-49420825-C-T.
Other names: short protein forms R4975H.
Identifiers: ClinVar variation 3057842 (VCV003057842.5), dbSNP rs757011865, ClinGen allele CA6545635.

ClinVar aggregate classification (germline): Conflicting classifications of pathogenicity. Review status: criteria provided, conflicting classifications (1 of 4 stars). 2 submissions from 2 submitters: Uncertain significance (1); Benign (1). Last evaluated 2024-12-19.

Conditions:
KMT2D-related disorder. Also called: KMT2D-Related Disorders.
Kabuki syndrome. Also called: NIIKAWA-KUROKI SYNDROME; Kabuki make-up syndrome. Identifiers: Orphanet 2322, MedGen C0796004, MONDO:0016512.

Allele frequency attached by ClinVar (database versions not stated): ExAC 0.00001; gnomAD exomes 0.00001; TOPMed 0.00002; gnomAD 0.00003.
gnomAD v4.1: 17 of 1,613,802 alleles (0.0011%); highest among the groups gnomAD compares: Middle Eastern, 0.016%; no homozygotes.

Submissions (2):

PreventionGenetics, part of Exact Sciences
Classification: Uncertain significance for KMT2D-related condition. Last evaluated: 2024-12-19. Review status: criteria provided, single submitter. Criteria: ACMG Guidelines, 2015. Collection method: clinical testing. Allele origin: germline.
Comment: The KMT2D c.14924G>A variant is predicted to result in the amino acid substitution p.Arg4975His. To our knowledge, this variant has not been reported in the literature. This variant is reported in 0.0033% of alleles in individuals of South Asian descent in gnomAD. At this time, the clinical significance of this variant is uncertain due to the absence of conclusive functional and genetic evidence.

Labcorp Genetics (formerly Invitae), Labcorp
Classification: Benign for Kabuki syndrome. Last evaluated: 2024-10-10. Review status: criteria provided, single submitter. Criteria: Invitae Variant Classification Sherloc (09022015). Collection method: clinical testing. Allele origin: germline.